The following is an entry in ClinVar:

ClinVar aggregate classification (germline): Likely pathogenic (1 of 4 stars; one submission).

Conditions:
Autosomal recessive polycystic kidney disease (ARPKD). Also called: AR polycystic kidney disease. Identifiers: Orphanet 731, Orphanet 8378, MedGen C0085548, MeSH D017044, MONDO:0009889.

Submission:

Natera, Inc.
Classification: Likely pathogenic for Autosomal recessive polycystic kidney disease. Last evaluated: 2024-10-25. Review status: criteria provided, single submitter. Criteria: Natera Variant Classification Schema (03/2026). Collection method: clinical testing. Allele origin: germline.
Comment: The c.2306_2307del variant in PKHD1 is a frameshift variant predicted to shift the reading frame beginning at codon 769 and leads to a stop codon 29 codons downstream. This variant is expected to result in nonsense mediated decay, truncation, or a dysfunctional protein product. This variant is rare in the general population with a frequency below the threshold expected for the associated phenotype(s). Given the available evidence, this variant is classified as Likely Pathogenic.

NM_138694.4(PKHD1):c.2306_2307del (p.Glu769fs)

Gene: PKHD1 (PKHD1 ciliary IPT domain containing fibrocystin/polyductin; minus strand). Cytogenetic location: 6p12.2.
Variant type: Microsatellite.
Coding change: c.2306_2307del on transcript NM_138694.4 (MANE Select); coding-DNA positions 2306 to 2307, 2 bases deleted (AG; older notation c.2306_2307delAG).
Protein change: p.Glu769fs; shifts the reading frame from glutamic acid 769.
Molecular consequence: frameshift variant.
Genome position (GRCh38, 1-based): chr6:52,048,592-52,048,593, CT deleted on the plus strand (AG on the coding strand, the reverse complement: PKHD1 is on the minus strand); deleting any 2 consecutive bases within chr6:52,048,592-52,048,595 gives the same sequence; the c. name uses the placement nearest the transcript's 3' end. VCF-style (leftmost placement, unchanged base first): chr6-52048591-CCT-C. GRCh37 (hg19) VCF-style: chr6-51913389-CCT-C.
Other names: c.2306_2307del, p.Glu769fs (NM_170724.3); short protein forms E769fs.
Identifiers: ClinVar variation 4816602 (VCV004816602.1).